The following is an entry in ClinVar:

ClinVar aggregate classification (germline): Uncertain significance (1 of 4 stars; one submission).

Submission:

Labcorp Genetics (formerly Invitae), Labcorp
Classification: Uncertain significance. Last evaluated: 2024-04-08. Review status: criteria provided, single submitter. Criteria: Invitae Variant Classification Sherloc (09022015). Collection method: clinical testing. Allele origin: germline.
Comment: This sequence change replaces valine, which is neutral and non-polar, with glutamic acid, which is acidic and polar, at codon 7 of the SCO1 protein (p.Val7Glu). This variant is not present in population databases (gnomAD no frequency). This variant has not been reported in the literature in individuals affected with SCO1-related conditions. ClinVar contains an entry for this variant (Variation ID: 2125616). An algorithm developed to predict the effect of missense changes on protein structure and function (PolyPhen-2) suggests that this variant is likely to be tolerated. In summary, the available evidence is currently insufficient to determine the role of this variant in disease. Therefore, it has been classified as a Variant of Uncertain Significance.

NM_004589.4(SCO1):c.20T>A (p.Val7Glu)

Genes: SCO1 (synthesis of cytochrome C oxidase 1; minus strand), LOC112529895 (Sharpr-MPRA regulatory region 5903; plus strand). Cytogenetic location: 17p13.1.
Variant type: single nucleotide variant.
Coding change: c.20T>A on transcript NM_004589.4 (MANE Select); coding-DNA position 20, T replaced by A.
Protein change: p.Val7Glu; replaces valine 7 with glutamic acid.
Molecular consequence: missense variant.
Genome position (GRCh38, 1-based): chr17:10,697,488, A>T on the plus strand (T>A on the coding strand, the complement: SCO1 is on the minus strand). VCF-style: chr17-10697488-A-T. GRCh37 (hg19) VCF-style: chr17-10600805-A-T.
Other names: short protein forms V7E.
Identifiers: ClinVar variation 2125616 (VCV002125616.4), dbSNP rs1277248821, ClinGen allele CA398135483.